The following is an entry in ClinVar:

NM_001277115.2(DNAH11):c.5036T>C (p.Met1679Thr)

Gene: DNAH11 (dynein axonemal heavy chain 11; plus strand). Cytogenetic location: 7p15.3.
Variant type: single nucleotide variant.
Coding change: c.5036T>C on transcript NM_001277115.2 (MANE Select); coding-DNA position 5036, T replaced by C.
Protein change: p.Met1679Thr; replaces methionine 1679 with threonine.
Molecular consequence: missense variant.
Genome position (GRCh38, 1-based): chr7:21,655,923, T>C. VCF-style: chr7-21655923-T-C. GRCh37 (hg19) VCF-style: chr7-21695541-T-C.
Other names: c.5051T>C, p.Met1684Thr (NM_003777.3); short protein forms M1679T, M1684T.
Identifiers: ClinVar variation 1901466 (VCV001901466.3), dbSNP rs1370716502, ClinGen allele CA366938149.

ClinVar aggregate classification (germline): Uncertain significance (1 of 4 stars; one submission).

Conditions:
Primary ciliary dyskinesia. Also called: Ciliary dyskinesia. Identifiers: Orphanet 244, MedGen C0008780, MONDO:0016575, HP:0012265.

Allele frequency attached by ClinVar (database versions not stated): gnomAD exomes below 0.00001; gnomAD 0.00001; TOPMed 0.00001.

Submission:

Labcorp Genetics (formerly Invitae), Labcorp
Classification: Uncertain significance for Primary ciliary dyskinesia. Last evaluated: 2023-11-28. Review status: criteria provided, single submitter. Criteria: Invitae Variant Classification Sherloc (09022015). Collection method: clinical testing. Allele origin: germline.
Comment: This sequence change replaces methionine, which is neutral and non-polar, with threonine, which is neutral and polar, at codon 1679 of the DNAH11 protein (p.Met1679Thr). This variant is not present in population databases (gnomAD no frequency). This variant has not been reported in the literature in individuals affected with DNAH11-related conditions. ClinVar contains an entry for this variant (Variation ID: 1901466). Advanced modeling of protein sequence and biophysical properties (such as structural, functional, and spatial information, amino acid conservation, physicochemical variation, residue mobility, and thermodynamic stability) has been performed at Invitae for this missense variant, however the output from this modeling did not meet the statistical confidence thresholds required to predict the impact of this variant on DNAH11 protein function. In summary, the available evidence is currently insufficient to determine the role of this variant in disease. Therefore, it has been classified as a Variant of Uncertain Significance.